The following is an entry in ClinVar:

ClinVar aggregate classification (germline): Uncertain significance (1 of 4 stars; one submission).

Conditions:
PCNT-related disorder. Also called: PCNT-related condition.

Submission:

PreventionGenetics, part of Exact Sciences
Classification: Uncertain significance for PCNT-related condition. Last evaluated: 2024-12-03. Review status: criteria provided, single submitter. Criteria: ACMG Guidelines, 2015. Collection method: clinical testing. Allele origin: germline.
Comment: The PCNT c.1500T>G variant is predicted to result in the amino acid substitution p.Asp500Glu. To our knowledge, this variant has not been reported in the literature or in a large population database (gnomAD), indicating this variant is rare. At this time, the clinical significance of this variant is uncertain due to the absence of conclusive functional and genetic evidence.

NM_006031.6(PCNT):c.1500T>G (p.Asp500Glu)

Gene: PCNT (pericentrin; plus strand). Cytogenetic location: 21q22.3.
Variant type: single nucleotide variant.
Coding change: c.1500T>G on transcript NM_006031.6 (MANE Select); coding-DNA position 1500, T replaced by G.
Protein change: p.Asp500Glu; replaces aspartic acid 500 with glutamic acid.
Molecular consequence: missense variant.
Genome position (GRCh38, 1-based): chr21:46,353,147, T>G. VCF-style: chr21-46353147-T-G. GRCh37 (hg19) VCF-style: chr21-47773061-T-G.
Other names: c.1146T>G, p.Asp382Glu (NM_001315529.2); short protein forms D500E, D382E.
Identifiers: ClinVar variation 5001526 (VCV005001526.1).